The following is an entry in ClinVar:

ClinVar aggregate classification (germline): Conflicting classifications of pathogenicity. Review status: criteria provided, conflicting classifications (1 of 4 stars). 3 submissions from 3 submitters: Uncertain significance (2); Likely benign (1). Last evaluated 2022-12-01.

Conditions:
Primary ciliary dyskinesia 3. Identifiers: Orphanet 244, MedGen C1837618, MONDO:0012085, OMIM 608644.

Allele frequency attached by ClinVar (database versions not stated): 1000 Genomes Project 0.00200; 1000 Genomes Project 30x 0.00265; gnomAD 0.00435 and 0.00442; TOPMed 0.00549; gnomAD exomes 0.00595.
gnomAD v4.1: 9,058 of 1,560,074 alleles (0.58%); highest among the groups gnomAD compares: Non-Finnish European, 0.69%; 41 homozygotes.

Submissions (3):

CeGaT Center for Human Genetics Tuebingen
Classification: Likely benign. Last evaluated: 2022-12-01. Review status: criteria provided, single submitter. Criteria: CeGaT Center For Human Genetics Tuebingen Variant Classification Criteria Version 2. Collection method: clinical testing. Allele origin: germline. Affected: yes. Observed: 1 variant allele.
Comment: DNAH5: BS2

Illumina Laboratory Services, Illumina
Classification: Uncertain significance for Primary ciliary dyskinesia 3. Last evaluated: 2018-01-13. Review status: criteria provided, single submitter. Criteria: ICSL Variant Classification Criteria 13 December 2019. Collection method: clinical testing. Allele origin: germline.

Breakthrough Genomics
Classification: Uncertain significance. Review status: criteria provided, single submitter. Criteria: ACMG Guidelines, 2015. Collection method: not provided. Allele origin: germline. Inheritance: Autosomal recessive inheritance. Affected: yes.

NM_001369.3(DNAH5):c.*84C>T

Gene: DNAH5 (dynein axonemal heavy chain 5; minus strand). Cytogenetic location: 5p15.2.
Variant type: single nucleotide variant.
Coding change: c.*84C>T on transcript NM_001369.3 (MANE Select); 84 bases downstream of the stop codon, C replaced by T.
Molecular consequence: 3 prime UTR variant.
Genome position (GRCh38, 1-based): chr5:13,691,900, G>A on the plus strand (C>T on the coding strand, the complement: DNAH5 is on the minus strand). VCF-style: chr5-13691900-G-A. GRCh37 (hg19) VCF-style: chr5-13692009-G-A.
Identifiers: ClinVar variation 907915 (VCV000907915.29), dbSNP rs151143347, ClinGen allele CA113905393.
Genomic context (GRCh38, chr5:13,691,900, plus strand): 5'-ATTAAGGAGTGGGGAAAACCTATGCAGCTCATTAATTGCATAAACGACCTAACATACACT[G>A]TCCAGCAGTCATACAGAAATAAAGGTTACAATAATTTAGATCTTGCATTTTCCAAAGCAT-3'